The following is an entry in ClinVar:

NM_001205293.3(CACNA1E):c.2347A>T (p.Ser783Cys)

Gene: CACNA1E (calcium voltage-gated channel subunit alpha1 E; plus strand). Cytogenetic location: 1q25.3.
Variant type: single nucleotide variant.
Coding change: c.2347A>T on transcript NM_001205293.3 (MANE Select); coding-DNA position 2347, A replaced by T.
Protein change: p.Ser783Cys; replaces serine 783 with cysteine.
Molecular consequence: missense variant.
Genome position (GRCh38, 1-based): chr1:181,732,433, A>T. VCF-style: chr1-181732433-A-T. GRCh37 (hg19) VCF-style: chr1-181701569-A-T.
Other names: c.2347A>T, p.Ser783Cys (NM_000721.4); c.2290A>T, p.Ser764Cys (NM_001205294.2); short protein forms S764C, S783C.
Identifiers: ClinVar variation 3608659 (VCV003608659.2).

ClinVar aggregate classification (germline): Uncertain significance (1 of 4 stars; one submission).

gnomAD v4.1: 1 of 1,548,182 alleles (0.000065%); highest among the groups gnomAD compares: African/African-American, 0.0014%; no homozygotes.

Submission:

Labcorp Genetics (formerly Invitae), Labcorp
Classification: Uncertain significance. Last evaluated: 2024-07-01. Review status: criteria provided, single submitter. Criteria: Invitae Variant Classification Sherloc (09022015). Collection method: clinical testing. Allele origin: germline.
Comment: This sequence change replaces serine, which is neutral and polar, with cysteine, which is neutral and slightly polar, at codon 783 of the CACNA1E protein (p.Ser783Cys). This variant is present in population databases (no rsID available, gnomAD 0.01%). This variant has not been reported in the literature in individuals affected with CACNA1E-related conditions. Advanced modeling of protein sequence and biophysical properties (such as structural, functional, and spatial information, amino acid conservation, physicochemical variation, residue mobility, and thermodynamic stability) has been performed at Invitae for this missense variant, however the output from this modeling did not meet the statistical confidence thresholds required to predict the impact of this variant on CACNA1E protein function. In summary, the available evidence is currently insufficient to determine the role of this variant in disease. Therefore, it has been classified as a Variant of Uncertain Significance.